The following is an entry in ClinVar:

NM_173689.7(CRB2):c.3032C>T (p.Thr1011Ile)

Gene: CRB2 (crumbs cell polarity complex component 2; plus strand). Cytogenetic location: 9q33.3.
Variant type: single nucleotide variant.
Coding change: c.3032C>T on transcript NM_173689.7 (MANE Select); coding-DNA position 3032, C replaced by T.
Protein change: p.Thr1011Ile; replaces threonine 1011 with isoleucine.
Molecular consequence: missense variant. On other transcripts: non-coding transcript variant (1).
Genome position (GRCh38, 1-based): chr9:123,373,563, C>T. VCF-style: chr9-123373563-C-T. GRCh37 (hg19) VCF-style: chr9-126135842-C-T.
Other names: short protein forms T1011I.
Identifiers: ClinVar variation 1000947 (VCV001000947.9), dbSNP rs757377809, ClinGen allele CA5232342.

ClinVar aggregate classification (germline): Uncertain significance (1 of 4 stars; one submission).

Allele frequency attached by ClinVar (database versions not stated): TOPMed below 0.00001; gnomAD 0.00001; gnomAD exomes 0.00002; ExAC 0.00003.
gnomAD v4.1: 8 of 1,472,448 alleles (0.00054%); highest among the groups gnomAD compares: South Asian, 0.0013%; no homozygotes.

Submission:

Labcorp Genetics (formerly Invitae), Labcorp
Classification: Uncertain significance. Last evaluated: 2020-02-22. Review status: criteria provided, single submitter. Criteria: Invitae Variant Classification Sherloc (09022015). Collection method: clinical testing. Allele origin: germline.
Comment: This variant is present in population databases (rs757377809, ExAC 0.005%). This variant has not been reported in the literature in individuals with CRB2-related conditions. Algorithms developed to predict the effect of missense changes on protein structure and function are either unavailable or do not agree on the potential impact of this missense change (SIFT: "Deleterious"; PolyPhen-2: "Possibly Damaging"; Align-GVGD: "Class C0"). In summary, the available evidence is currently insufficient to determine the role of this variant in disease. Therefore, it has been classified as a Variant of Uncertain Significance. This sequence change replaces threonine with isoleucine at codon 1011 of the CRB2 protein (p.Thr1011Ile). The threonine residue is moderately conserved and there is a moderate physicochemical difference between threonine and isoleucine.